The following is an entry in ClinVar:

ClinVar aggregate classification (germline): Uncertain significance (1 of 4 stars; one submission).

Conditions:
Primary ciliary dyskinesia 28. Also called: CILIARY DYSKINESIA, PRIMARY, 28, WITH OR WITHOUT SITUS INVERSUS. Identifiers: Orphanet 244, MedGen C3809706, MONDO:0014216, OMIM 615505.

Allele frequency attached by ClinVar (database versions not stated): TOPMed 0.00002; gnomAD 0.00003; gnomAD exomes 0.00003; ExAC 0.00017; 1000 Genomes Project 30x 0.00031; 1000 Genomes Project 0.00040.
gnomAD v4.1: 55 of 1,610,542 alleles (0.0034%); highest among the groups gnomAD compares: South Asian, 0.036%; no homozygotes.

Submission:

Labcorp Genetics (formerly Invitae), Labcorp
Classification: Uncertain significance for Primary ciliary dyskinesia 28. Last evaluated: 2022-05-04. Review status: criteria provided, single submitter. Criteria: Invitae Variant Classification Sherloc (09022015). Collection method: clinical testing. Allele origin: germline.
Comment: This sequence change replaces arginine, which is basic and polar, with cysteine, which is neutral and slightly polar, at codon 281 of the SPAG1 protein (p.Arg281Cys). This variant is present in population databases (rs201493353, gnomAD 0.07%). This variant has not been reported in the literature in individuals affected with SPAG1-related conditions. Algorithms developed to predict the effect of missense changes on protein structure and function are either unavailable or do not agree on the potential impact of this missense change (SIFT: "Deleterious"; PolyPhen-2: "Possibly Damaging"; Align-GVGD: "Class C0"). In summary, the available evidence is currently insufficient to determine the role of this variant in disease. Therefore, it has been classified as a Variant of Uncertain Significance.

NM_003114.5(SPAG1):c.841C>T (p.Arg281Cys)

Gene: SPAG1 (sperm associated antigen 1; plus strand). Cytogenetic location: 8q22.2.
Variant type: single nucleotide variant.
Coding change: c.841C>T on transcript NM_003114.5 (MANE Select); coding-DNA position 841, C replaced by T.
Protein change: p.Arg281Cys; replaces arginine 281 with cysteine.
Molecular consequence: missense variant.
Genome position (GRCh38, 1-based): chr8:100,191,398, C>T. VCF-style: chr8-100191398-C-T. GRCh37 (hg19) VCF-style: chr8-101203626-C-T.
Other names: c.841C>T, p.Arg281Cys (NM_001374321.1, NM_172218.3); short protein forms R281C.
Identifiers: ClinVar variation 2152785 (VCV002152785.1), dbSNP rs201493353, ClinGen allele CA4827380.